The following is an entry in ClinVar:

ClinVar aggregate classification (germline): Likely benign. Review status: criteria provided, multiple submitters, no conflicts (2 of 4 stars). 2 submissions from 2 submitters: Likely benign (2). Last evaluated 2025-02-18.

Conditions:
CDH23-related disorder. Also called: CDH23-related disorders; CDH23-related condition.

Allele frequency attached by ClinVar (database versions not stated): gnomAD exomes 0.00001.
gnomAD v4.1: 8 of 1,612,602 alleles (0.0005%); highest among the groups gnomAD compares: African/African-American, 0.0013%; no homozygotes.

Submissions (2):

PreventionGenetics, part of Exact Sciences
Classification: Likely benign for CDH23-related condition. Last evaluated: 2025-02-18. Review status: criteria provided, single submitter. Criteria: ACMG Guidelines, 2015. Collection method: clinical testing. Allele origin: germline.
Comment: This variant is classified as likely benign based on ACMG/AMP sequence variant interpretation guidelines (Richards et al. 2015 PMID: 25741868, with internal and published modifications).

Labcorp Genetics (formerly Invitae), Labcorp
Classification: Likely benign. Last evaluated: 2022-10-03. Review status: criteria provided, single submitter. Criteria: Invitae Variant Classification Sherloc (09022015). Collection method: clinical testing. Allele origin: germline.

NM_022124.6(CDH23):c.9783A>T (p.Pro3261=)

Gene: CDH23 (cadherin related 23; plus strand). Cytogenetic location: 10q22.1.
Variant type: single nucleotide variant.
Coding change: c.9783A>T on transcript NM_022124.6 (MANE Select); coding-DNA position 9783, A replaced by T.
Protein change: p.Pro3261=; no amino-acid change (proline 3261 retained).
Molecular consequence: synonymous variant.
Genome position (GRCh38, 1-based): chr10:71,814,996, A>T. VCF-style: chr10-71814996-A-T. GRCh37 (hg19) VCF-style: chr10-73574753-A-T.
Other names: c.3063A>T, p.Pro1021= (NM_001171933.1); c.2958A>T, p.Pro986= (NM_001171934.1); c.474A>T, p.Pro158= (NM_001171935.1); c.369A>T, p.Pro123= (NM_001171936.1); c.9783A>T (NM_022124.5).
Identifiers: ClinVar variation 2175307 (VCV002175307.5), dbSNP rs1479323557, ClinGen allele CA470283110.